The following is an entry in ClinVar:

ClinVar aggregate classification (germline): Pathogenic. Review status: criteria provided, multiple submitters, no conflicts (2 of 4 stars). 2 submissions from 2 submitters: Pathogenic (2). Last evaluated 2025-09-30.

Conditions:
Hereditary breast ovarian cancer syndrome. Also called: Hereditary breast and ovarian cancer; Hereditary breast and/or ovarian cancer syndrome; Hereditary breast and ovarian cancer syndrome; Hereditary breast and ovarian cancer syndrome (HBOC); BRCA1- and BRCA2-Associated Hereditary Breast and Ovarian Cancer; Breast and ovarian cancer. Identifiers: Orphanet 145, MedGen C0677776, MeSH D061325, MONDO:0003582. Disease mechanism: loss of function.
Hereditary cancer-predisposing syndrome. Also called: Tumor predisposition; Hereditary neoplastic syndrome; Neoplastic Syndromes, Hereditary; Hereditary Cancer Syndrome. Identifiers: Orphanet 140162, MedGen C0027672, MeSH D009386, MONDO:0015356.

Submissions (2):

Labcorp Genetics (formerly Invitae), Labcorp
Classification: Pathogenic for Hereditary breast ovarian cancer syndrome. Last evaluated: 2025-09-30. Review status: criteria provided, single submitter. Criteria: Invitae Variant Classification Sherloc (09022015). Collection method: clinical testing. Allele origin: germline.
Comment: This sequence change creates a premature translational stop signal (p.Thr1887Argfs*22) in the BRCA2 gene. It is expected to result in an absent or disrupted protein product. Loss-of-function variants in BRCA2 are known to be pathogenic (PMID: 20104584). This variant is not present in population databases (gnomAD no frequency). This variant has not been reported in the literature in individuals affected with BRCA2-related conditions. ClinVar contains an entry for this variant (Variation ID: 950398). For these reasons, this variant has been classified as Pathogenic.

Ambry Genetics
Classification: Pathogenic for Hereditary cancer-predisposing syndrome. Last evaluated: 2024-06-14. Review status: criteria provided, single submitter. Criteria: Ambry Variant Classification Scheme 2023. Collection method: clinical testing. Allele origin: germline.
Comment: The c.5659delA pathogenic mutation, located in coding exon 10 of the BRCA2 gene, results from a deletion of one nucleotide at nucleotide position 5659, causing a translational frameshift with a predicted alternate stop codon (p.T1887Rfs*22). This variant is considered to be rare based on population cohorts in the Genome Aggregation Database (gnomAD). This alteration is expected to result in loss of function by premature protein truncation or nonsense-mediated mRNA decay. As such, this alteration is interpreted as a disease-causing mutation.

Literature cited by the submitters: PubMed 20104584 (cited by Labcorp Genetics (formerly Invitae), Labcorp).

NM_000059.4(BRCA2):c.5659del (p.Thr1887fs)

Gene: BRCA2 (BRCA2 DNA repair associated; plus strand). Cytogenetic location: 13q13.1.
Variant type: Deletion.
Coding change: c.5659del on transcript NM_000059.4 (MANE Select); coding-DNA position 5659, one base deleted (A; older notation c.5659delA).
Protein change: p.Thr1887fs; shifts the reading frame from threonine 1887.
Molecular consequence: frameshift variant.
Genome position (GRCh38, 1-based): chr13:32,340,014, A deleted; the last of 3 consecutive A bases (chr13:32,340,012-32,340,014); deleting any one gives the same sequence. VCF-style (leftmost placement, unchanged base first): chr13-32340011-CA-C. GRCh37 (hg19) VCF-style: chr13-32914148-CA-C.
Other names: c.5659delA (NM_000059.3); short protein forms T1887fs.
Identifiers: ClinVar variation 950398 (VCV000950398.9), dbSNP rs2072535063, ClinGen allele CA1139663223.